The following is an entry in ClinVar:

NM_020831.6(MRTFA):c.1463C>T (p.Pro488Leu)

Gene: MRTFA (myocardin related transcription factor A; minus strand). Cytogenetic location: 22q13.1.
Variant type: single nucleotide variant.
Coding change: c.1463C>T on transcript NM_020831.6 (MANE Select); coding-DNA position 1463, C replaced by T.
Protein change: p.Pro488Leu; replaces proline 488 with leucine.
Molecular consequence: missense variant.
Genome position (GRCh38, 1-based): chr22:40,419,275, G>A on the plus strand (C>T on the coding strand, the complement: MRTFA is on the minus strand). VCF-style: chr22-40419275-G-A. GRCh37 (hg19) VCF-style: chr22-40815279-G-A.
Other names: c.1163C>T, p.Pro388Leu (NM_001282660.2); c.1313C>T, p.Pro438Leu (NM_001282661.3); c.1463C>T, p.Pro488Leu (NM_001282662.3); c.1268C>T, p.Pro423Leu (NM_001318139.2); short protein forms P423L, P388L, P438L, P488L.
Identifiers: ClinVar variation 4779899 (VCV004779899.1).

ClinVar aggregate classification (germline): Uncertain significance (1 of 4 stars; one submission).

gnomAD v4.1: 10 of 1,613,502 alleles (0.00062%); highest among the groups gnomAD compares: Non-Finnish European, 0.00085%; no homozygotes.

Submission:

Labcorp Genetics (formerly Invitae), Labcorp
Classification: Uncertain significance. Last evaluated: 2025-05-26. Review status: criteria provided, single submitter. Criteria: Invitae Variant Classification Sherloc (09022015). Collection method: clinical testing. Allele origin: germline.
Comment: This sequence change replaces proline, which is neutral and non-polar, with leucine, which is neutral and non-polar, at codon 388 of the MKL1 protein (p.Pro388Leu). This variant is present in population databases (rs768451448, gnomAD 0.004%). This variant has not been reported in the literature in individuals affected with MKL1-related conditions. An algorithm developed to predict the effect of missense changes on protein structure and function (PolyPhen-2) suggests that this variant is likely to be tolerated. In summary, the available evidence is currently insufficient to determine the role of this variant in disease. Therefore, it has been classified as a Variant of Uncertain Significance.